The following is an entry in ClinVar:

ClinVar aggregate classification (germline): Benign/Likely benign. Review status: criteria provided, multiple submitters, no conflicts (2 of 4 stars). 5 submissions from 5 submitters: Benign (3); Likely benign (1). 1 of the submissions does not count toward it. Last evaluated 2026-01-28.

Conditions:
CCDC88C-related disorder. Also called: CCDC88C-related condition; CCDC88C-Related Disorders.

Allele frequency attached by ClinVar (database versions not stated): gnomAD exomes 0.00035 and 0.00078; ExAC 0.00168; ESP Exome Variant Server 0.00343; gnomAD 0.00370 and 0.00404; 1000 Genomes Project 0.00379; 1000 Genomes Project 30x 0.00422; TOPMed 0.00430.
gnomAD v4.1: 1,088 of 1,591,734 alleles (0.068%); highest among the groups gnomAD compares: African/African-American, 1.3%; 7 homozygotes.

Submissions (5):

Labcorp Genetics (formerly Invitae), Labcorp
Classification: Benign. Last evaluated: 2026-01-28. Review status: criteria provided, single submitter. Criteria: Invitae Variant Classification Sherloc (09022015). Collection method: clinical testing. Allele origin: germline.

Mayo Clinic Laboratories, Mayo Clinic
Classification: Benign. Last evaluated: 2025-03-05. Review status: criteria provided, single submitter. Criteria: ACMG Guidelines, 2015. Collection method: clinical testing. Allele origin: germline. Observed: 1 variant allele.
Comment: BS1, BS2, BP4, BP7

Blueprint Genetics
Classification: Likely benign. Last evaluated: 2024-08-28. Review status: criteria provided, single submitter. Criteria: ACMG Guidelines, 2015. Collection method: clinical testing. Allele origin: germline.

Breakthrough Genomics
Classification: Benign. Review status: criteria provided, single submitter. Criteria: ACMG Guidelines, 2015. Collection method: not provided. Allele origin: germline. Inheritance: Autosomal recessive inheritance. Affected: yes.

PreventionGenetics, part of Exact Sciences
Classification: Benign for CCDC88C-related condition. Last evaluated: 2019-09-09. Review status: no assertion criteria provided. Collection method: clinical testing. Allele origin: germline. Not counted in ClinVar's aggregate classification.
Comment: This variant is classified as benign based on ACMG/AMP sequence variant interpretation guidelines (Richards et al. 2015 PMID: 25741868, with internal and published modifications).

NM_001080414.4(CCDC88C):c.3828C>T (p.His1276=)

Gene: CCDC88C (coiled-coil and HOOK domain protein 88C; minus strand). Cytogenetic location: 14q32.11.
Variant type: single nucleotide variant.
Coding change: c.3828C>T on transcript NM_001080414.4 (MANE Select); coding-DNA position 3828, C replaced by T.
Protein change: p.His1276=; no amino-acid change (histidine 1276 retained).
Molecular consequence: synonymous variant.
Genome position (GRCh38, 1-based): chr14:91,297,443, G>A on the plus strand (C>T on the coding strand, the complement: CCDC88C is on the minus strand). VCF-style: chr14-91297443-G-A. GRCh37 (hg19) VCF-style: chr14-91763787-G-A.
Other names: p.His1276=.
Identifiers: ClinVar variation 723451 (VCV000723451.14), dbSNP rs150996350, ClinGen allele CA7309201.